The following is an entry in ClinVar:

ClinVar aggregate classification (germline): Uncertain significance (1 of 4 stars; one submission).

Allele frequency attached by ClinVar (database versions not stated): gnomAD exomes below 0.00001.
gnomAD v4.1: 2 of 1,613,942 alleles (0.00012%); no homozygotes.

Submission:

Labcorp Genetics (formerly Invitae), Labcorp
Classification: Uncertain significance. Last evaluated: 2025-08-15. Review status: criteria provided, single submitter. Criteria: Invitae Variant Classification Sherloc (09022015). Collection method: clinical testing. Allele origin: germline.
Comment: This sequence change replaces proline, which is neutral and non-polar, with threonine, which is neutral and polar, at codon 559 of the ADAMTS9 protein (p.Pro559Thr). This variant is not present in population databases (gnomAD no frequency). This variant has not been reported in the literature in individuals affected with ADAMTS9-related conditions. ClinVar contains an entry for this variant (Variation ID: 2120284). An algorithm developed to predict the effect of missense changes on protein structure and function (PolyPhen-2) suggests that this variant is likely to be disruptive. In summary, the available evidence is currently insufficient to determine the role of this variant in disease. Therefore, it has been classified as a Variant of Uncertain Significance.

NM_182920.2(ADAMTS9):c.1675C>A (p.Pro559Thr)

Gene: ADAMTS9 (ADAM metallopeptidase with thrombospondin type 1 motif 9; minus strand). Cytogenetic location: 3p14.1.
Variant type: single nucleotide variant.
Coding change: c.1675C>A on transcript NM_182920.2 (MANE Select); coding-DNA position 1675, C replaced by A.
Protein change: p.Pro559Thr; replaces proline 559 with threonine.
Molecular consequence: missense variant.
Genome position (GRCh38, 1-based): chr3:64,647,975, G>T on the plus strand (C>A on the coding strand, the complement: ADAMTS9 is on the minus strand). VCF-style: chr3-64647975-G-T. GRCh37 (hg19) VCF-style: chr3-64633651-G-T.
Other names: c.1591C>A, p.Pro531Thr (NM_001318781.2); short protein forms P531T, P559T.
Identifiers: ClinVar variation 2120284 (VCV002120284.4), dbSNP rs2471457290, ClinGen allele CA353456703.
Genomic context (GRCh38, chr3:64,647,975, plus strand): 5'-AAGGACAGAACAGGGCATTACTTGCCTTTCCAGGCTCGCACTCCGTCCCATCGGCCCAGG[G>T]TGTGTGCTGAGTCCGGCAGCCTTTGTGTACTCCATTGACGTTATTGCACCAGAGCCGTCT-3'
Protein context (NP_891550.1, residues 549-569): VHKGCRTQHT[Pro559Thr]WADGTECEPG